The following is an entry in ClinVar:

ClinVar aggregate classification (germline): Uncertain significance (1 of 4 stars; one submission).

Submission:

Dasa
Classification: Uncertain significance. Last evaluated: 2025-09-09. Review status: criteria provided, single submitter. Criteria: DASA Assertion Criteria. Collection method: clinical testing. Allele origin: germline.
Comment: NM_001318852.2(MAPK8IP3):c.757G>T (p.Asp253Tyr) is a missense variant that results in the substitution of aspartic acid with tyrosine. This variant is absent from population databases. The currently available literature and clinical evidence are not sufficient to establish a definitive association between this variant and the reported condition. Therefore, this variant is classified as a variant of uncertain significance.

NM_001318852.2(MAPK8IP3):c.757G>T (p.Asp253Tyr)

Gene: MAPK8IP3 (mitogen-activated protein kinase 8 interacting protein 3; plus strand). Cytogenetic location: 16p13.3.
Variant type: single nucleotide variant.
Coding change: c.757G>T on transcript NM_001318852.2 (MANE Select); coding-DNA position 757, G replaced by T.
Protein change: p.Asp253Tyr; replaces aspartic acid 253 with tyrosine.
Molecular consequence: missense variant.
Genome position (GRCh38, 1-based): chr16:1,747,038, G>T. VCF-style: chr16-1747038-G-T. GRCh37 (hg19) VCF-style: chr16-1797039-G-T.
Other names: c.754G>T, p.Asp252Tyr (NM_001040439.2, NM_015133.5); short protein forms D252Y, D253Y.
Identifiers: ClinVar variation 5020869 (VCV005020869.1).